The following is an entry in ClinVar:

ClinVar aggregate classification (germline): Uncertain significance (1 of 4 stars; one submission).

Submission:

Labcorp Genetics (formerly Invitae), Labcorp
Classification: Uncertain significance. Last evaluated: 2025-08-08. Review status: criteria provided, single submitter. Criteria: Invitae Variant Classification Sherloc (09022015). Collection method: clinical testing. Allele origin: germline.
Comment: This sequence change replaces asparagine, which is neutral and polar, with lysine, which is basic and polar, at codon 394 of the PDE6C protein (p.Asn394Lys). This variant is not present in population databases (gnomAD no frequency). This variant has not been reported in the literature in individuals affected with PDE6C-related conditions. Invitae Evidence Modeling of protein sequence and biophysical properties (such as structural, functional, and spatial information, amino acid conservation, physicochemical variation, residue mobility, and thermodynamic stability) indicates that this missense variant is expected to disrupt PDE6C protein function with a positive predictive value of 95%. In summary, the available evidence is currently insufficient to determine the role of this variant in disease. Therefore, it has been classified as a Variant of Uncertain Significance.

NM_006204.4(PDE6C):c.1182C>G (p.Asn394Lys)

Gene: PDE6C (phosphodiesterase 6C; plus strand). Cytogenetic location: 10q23.33.
Variant type: single nucleotide variant.
Coding change: c.1182C>G on transcript NM_006204.4 (MANE Select); coding-DNA position 1182, C replaced by G.
Protein change: p.Asn394Lys; replaces asparagine 394 with lysine.
Molecular consequence: missense variant.
Genome position (GRCh38, 1-based): chr10:93,634,820, C>G. VCF-style: chr10-93634820-C-G. GRCh37 (hg19) VCF-style: chr10-95394577-C-G.
Other names: short protein forms N394K.
Identifiers: ClinVar variation 4747526 (VCV004747526.1).